The following is an entry in ClinVar:

ClinVar aggregate classification (germline): Benign/Likely benign. Review status: criteria provided, multiple submitters, no conflicts (2 of 4 stars). 3 submissions from 3 submitters: Benign (1); Likely benign (2). Last evaluated 2025-07-23.

Conditions:
Hereditary cancer-predisposing syndrome. Also called: Neoplastic Syndromes, Hereditary; Tumor predisposition; Hereditary Cancer Syndrome; Hereditary neoplastic syndrome. Identifiers: Orphanet 140162, MedGen C0027672, MeSH D009386, MONDO:0015356.
Familial cancer of breast. Also called: BREAST CANCER, FAMILIAL; Hereditary breast cancer; hereditary breast carcinoma. Identifiers: Orphanet 227535, MedGen C0346153, MONDO:0016419, OMIM 114480. Disease mechanism: loss of function.

Allele frequency attached by ClinVar (database versions not stated): gnomAD exomes below 0.00001.
gnomAD v4.1: 2 of 1,614,114 alleles (0.00012%); highest among the groups gnomAD compares: African/African-American, 0.0013%; no homozygotes.

Submissions (3):

Labcorp Genetics (formerly Invitae), Labcorp
Classification: Likely benign for Familial cancer of breast. Last evaluated: 2025-07-23. Review status: criteria provided, single submitter. Criteria: Invitae Variant Classification Sherloc (09022015). Collection method: clinical testing. Allele origin: germline.

Myriad Genetics, Inc.
Classification: Benign for Familial cancer of breast. Last evaluated: 2024-10-02. Review status: criteria provided, single submitter. Criteria: Myriad Autosomal Dominant, Autosomal Recessive and X-Linked Classification Criteria (2023). Collection method: clinical testing. Allele origin: unknown.
Comment: This variant is considered benign. This variant is a silent/synonymous amino acid change and it is not expected to impact splicing.

Ambry Genetics
Classification: Likely benign for Hereditary cancer-predisposing syndrome. Last evaluated: 2016-05-27. Review status: criteria provided, single submitter. Criteria: Ambry Variant Classification Scheme 2023. Collection method: clinical testing. Allele origin: germline.

NM_007194.4(CHEK2):c.561T>C (p.Ser187=)

Gene: CHEK2 (checkpoint kinase 2; minus strand). Cytogenetic location: 22q12.1.
Variant type: single nucleotide variant.
Coding change: c.561T>C on transcript NM_007194.4 (MANE Select); coding-DNA position 561, T replaced by C.
Protein change: p.Ser187=; no amino-acid change (serine 187 retained).
Molecular consequence: synonymous variant. On other transcripts: 5 prime UTR variant (2), intron variant (1).
Genome position (GRCh38, 1-based): chr22:28,725,008, A>G on the plus strand (T>C on the coding strand, the complement: CHEK2 is on the minus strand). VCF-style: chr22-28725008-A-G. GRCh37 (hg19) VCF-style: chr22-29120996-A-G.
Other names: c.690T>C, p.Ser230= (NM_001005735.3, NM_001438294.1); c.-217T>C (NM_001257387.3); c.-103T>C (NM_001437942.1); c.654T>C, p.Ser218= (NM_001438293.1, NM_001438295.1); c.561T>C, p.Ser187= (NM_145862.3); c.445-85T>C (NM_001349956.3).
Identifiers: ClinVar variation 483367 (VCV000483367.15), dbSNP rs1555926782, ClinGen allele CA514168721.